The following is an entry in ClinVar:

ClinVar aggregate classification (germline): Uncertain significance (1 of 4 stars; one submission).

Conditions:
Leber congenital amaurosis 8 (LCA8). Identifiers: Orphanet 65, MedGen C3151202, MONDO:0013453, OMIM 613835.
Retinitis pigmentosa 12 (RP12). Also called: RP WITH OR WITHOUT PPRPE; RP WITH OR WITHOUT PRESERVED PARAARTERIOLE RETINAL PIGMENT EPITHELIUM; RETINITIS PIGMENTOSA WITH OR WITHOUT PARAARTERIOLAR PRESERVATION OF RETINAL PIGMENT EPITHELIUM. Identifiers: Orphanet 791, MedGen C1838647, MONDO:0010818, OMIM 600105.

Submission:

Labcorp Genetics (formerly Invitae), Labcorp
Classification: Uncertain significance for Leber congenital amaurosis 8; Retinitis pigmentosa 12. Last evaluated: 2022-08-16. Review status: criteria provided, single submitter. Criteria: Invitae Variant Classification Sherloc (09022015). Collection method: clinical testing. Allele origin: germline.
Comment: In summary, the available evidence is currently insufficient to determine the role of this variant in disease. Therefore, it has been classified as a Variant of Uncertain Significance. Advanced modeling of protein sequence and biophysical properties (such as structural, functional, and spatial information, amino acid conservation, physicochemical variation, residue mobility, and thermodynamic stability) performed at Invitae indicates that this missense variant is expected to disrupt CRB1 protein function. ClinVar contains an entry for this variant (Variation ID: 1345231). This variant has not been reported in the literature in individuals affected with CRB1-related conditions. This variant is not present in population databases (gnomAD no frequency). This sequence change replaces phenylalanine, which is neutral and non-polar, with cysteine, which is neutral and slightly polar, at codon 980 of the CRB1 protein (p.Phe980Cys).

NM_201253.3(CRB1):c.2939T>G (p.Phe980Cys)

Gene: CRB1 (crumbs cell polarity complex component 1; plus strand). Cytogenetic location: 1q31.3.
Variant type: single nucleotide variant.
Coding change: c.2939T>G on transcript NM_201253.3 (MANE Select); coding-DNA position 2939, T replaced by G.
Protein change: p.Phe980Cys; replaces phenylalanine 980 with cysteine.
Molecular consequence: missense variant. On other transcripts: non-coding transcript variant (2), intron variant (1).
Genome position (GRCh38, 1-based): chr1:197,434,802, T>G. VCF-style: chr1-197434802-T-G. GRCh37 (hg19) VCF-style: chr1-197403932-T-G.
Other names: c.2603T>G, p.Phe868Cys (NM_001193640.2); c.2867T>G, p.Phe956Cys (NM_001257965.2); c.2129-798T>G (NM_001257966.2); short protein forms F956C, F868C, F980C.
Identifiers: ClinVar variation 1345231 (VCV001345231.8), dbSNP rs1665047363, ClinGen allele CA344043773.